The following is an entry in ClinVar:

NM_138420.4(AHNAK2):c.6488T>A (p.Phe2163Tyr)

Gene: AHNAK2 (AHNAK nucleoprotein 2; minus strand). Cytogenetic location: 14q32.33.
Variant type: single nucleotide variant.
Coding change: c.6488T>A on transcript NM_138420.4 (MANE Select); coding-DNA position 6488, T replaced by A.
Protein change: p.Phe2163Tyr; replaces phenylalanine 2163 with tyrosine.
Molecular consequence: missense variant.
Genome position (GRCh38, 1-based): chr14:104,948,963, A>T on the plus strand (T>A on the coding strand, the complement: AHNAK2 is on the minus strand). VCF-style: chr14-104948963-A-T. GRCh37 (hg19) VCF-style: chr14-105415300-A-T.
Other names: c.6188T>A, p.Phe2063Tyr (NM_001350929.2); short protein forms F2163Y, F2063Y.
Identifiers: ClinVar variation 2352044 (VCV002352044.27), dbSNP rs558985278, ClinGen allele CA7381128.

ClinVar aggregate classification (germline): Conflicting classifications of pathogenicity. Review status: criteria provided, conflicting classifications (1 of 4 stars). 2 submissions from 2 submitters: Uncertain significance (1); Likely benign (1). Last evaluated 2025-05-01.

Allele frequency attached by ClinVar (database versions not stated): 1000 Genomes Project 30x 0.00031; gnomAD exomes 0.00034; gnomAD 0.00039; 1000 Genomes Project 0.00040; ExAC 0.00058.

Submissions (2):

CeGaT Center for Human Genetics Tuebingen
Classification: Likely benign. Last evaluated: 2025-05-01. Review status: criteria provided, single submitter. Criteria: CeGaT Center For Human Genetics Tuebingen Variant Classification Criteria Version 2. Collection method: clinical testing. Allele origin: germline. Affected: yes. Observed: 4 variant alleles.
Comment: AHNAK2: BP4, BS2

Ambry Genetics
Classification: Uncertain significance. Last evaluated: 2024-09-11. Review status: criteria provided, single submitter. Criteria: Ambry Variant Classification Scheme 2023. Collection method: clinical testing. Allele origin: germline.